The following is an entry in ClinVar:

ClinVar aggregate classification (germline): Uncertain significance. Review status: criteria provided, multiple submitters, no conflicts (2 of 4 stars). 4 submissions from 4 submitters: Uncertain significance (4). Last evaluated 2025-05-11.

Conditions:
Cardiovascular phenotype. Identifiers: MedGen CN230736.
Familial thoracic aortic aneurysm and aortic dissection (TAAD). Also called: Thoracic aortic aneurysms and dissections. Identifiers: Orphanet 91387, MedGen C4707243, MONDO:0019625.
Marfan syndrome (MFS). Also called: MARFAN SYNDROME, TYPE I; FBN1-Related Marfan Syndrome; Marfan syndrome, classic; Marfan syndrome type 1; Marfan's syndrome. Identifiers: Orphanet 284963, Orphanet 558, MedGen C0024796, MONDO:0007947, OMIM 154700.

Allele frequency attached by ClinVar (database versions not stated): gnomAD exomes below 0.00001; ExAC 0.00001.
gnomAD v4.1: 3 of 1,614,204 alleles (0.00019%); highest among the groups gnomAD compares: Non-Finnish European, 0.00025%; no homozygotes.

Submissions (4):

GeneDx
Classification: Uncertain significance. Last evaluated: 2025-05-11. Review status: criteria provided, single submitter. Criteria: GeneDx Variant Classification Process June 2021. Collection method: clinical testing. Allele origin: germline. Affected: yes.
Comment: Has not been previously published as pathogenic or benign to our knowledge; Not observed at significant frequency in large population cohorts (gnomAD); In silico analysis suggests that this missense variant does not alter protein structure/function; Does not affect a cysteine or calcium-binding residue within an EGF-like domain or a TGF-binding protein domain of the FBN1 gene; cysteine substitutions in the EGF-like domains represent the majority of pathogenic missense changes associated with FBN1-related disorders (PMID: 12938084); This variant is associated with the following publications: (PMID: 12938084)

Color Diagnostics, LLC DBA Color Health
Classification: Uncertain significance for Familial thoracic aortic aneurysm and aortic dissection. Last evaluated: 2023-10-17. Review status: criteria provided, single submitter. Criteria: ACMG Guidelines, 2015. Collection method: clinical testing. Allele origin: germline.
Comment: This missense variant replaces arginine with glycine at codon 2694 of the FBN1 protein. Computational prediction suggests that this variant may not impact protein structure and function (internally defined REVEL score threshold <= 0.5, PMID: 27666373). To our knowledge, functional studies have not been reported for this variant. This variant has not been reported in individuals affected with FBN1-related disorders in the literature. This variant has been identified in 1/251382 chromosomes in the general population by the Genome Aggregation Database (gnomAD). The available evidence is insufficient to determine the role of this variant in disease conclusively. Therefore, this variant is classified as a Variant of Uncertain Significance.

All of Us Research Program, National Institutes of Health
Classification: Uncertain significance for Marfan syndrome. Last evaluated: 2023-05-31. Review status: criteria provided, single submitter. Criteria: ACMG Guidelines, 2015. Collection method: clinical testing. Allele origin: germline. Inheritance: Autosomal dominant inheritance. Observed: 1 variant allele, 1 heterozygote.
Comment: This study involves interpretation of variants in research participants for the purpose of population health screening. Participant phenotype was not available at the time of variant classification. Additional details can be found in publication PMID: 35346344, PMCID: PMC8962531

Ambry Genetics
Classification: Uncertain significance for Cardiovascular phenotype. Last evaluated: 2013-03-04. Review status: criteria provided, single submitter. Criteria: Ambry Autosomal Dominant and X-Linked criteria (10/2015). Collection method: clinical testing. Allele origin: germline. Observed: 1 variant allele.
Comment: Co-segregation data for this variant is currently unavailable. This variant has not been detected in conjunction with a pathogenic mutation to date. Allele frequency data in population-based cohorts is not currently available. This amino acid position is conserved through opossum.This alteration is predicted to be benign with a score of 0.045 (sensitivity: 0.94; specificity: 0.59)This alteration is predicted to be tolerated with a score of 0.480 (conservation: 1.85)

NM_000138.5(FBN1):c.8080C>G (p.Arg2694Gly)

Gene: FBN1 (fibrillin 1; minus strand). Cytogenetic location: 15q21.1.
Variant type: single nucleotide variant.
Coding change: c.8080C>G on transcript NM_000138.5 (MANE Select); coding-DNA position 8080, C replaced by G.
Protein change: p.Arg2694Gly; replaces arginine 2694 with glycine.
Molecular consequence: missense variant.
Genome position (GRCh38, 1-based): chr15:48,412,715, G>C on the plus strand (C>G on the coding strand, the complement: FBN1 is on the minus strand). VCF-style: chr15-48412715-G-C. GRCh37 (hg19) VCF-style: chr15-48704912-G-C.
Other names: short protein forms R2694G.
Identifiers: ClinVar variation 263562 (VCV000263562.10), dbSNP rs200309328, ClinGen allele CA059608.